The following is an entry in ClinVar:

ClinVar aggregate classification (germline): Conflicting classifications of pathogenicity. Review status: criteria provided, conflicting classifications (1 of 4 stars). 9 submissions from 9 submitters: Uncertain significance (6); Likely benign (1). 2 of the submissions do not count toward it. Last evaluated 2026-01-14.

Conditions:
Febrile seizures, familial, 4 (FEB4). Also called: CONVULSIONS, FAMILIAL FEBRILE, 4. Identifiers: MedGen C1858493, MONDO:0011443, OMIM 604352.
Usher syndrome type 2C. Also called: Usher syndrome, type 2B; USHER SYNDROME, TYPE IIC. Identifiers: Orphanet 231178, Orphanet 886, MedGen C2931213, MONDO:0011558, OMIM 605472.
Retinal dystrophy. Also called: Inherited retinal dystrophy. Identifiers: Orphanet 71862, MedGen C0854723, MeSH D058499, MONDO:0019118, HP:0000556.

Allele frequency attached by ClinVar (database versions not stated): ESP Exome Variant Server 0.00008; gnomAD 0.00011 and 0.00013; TOPMed 0.00015; gnomAD exomes 0.00016 and 0.00028; 1000 Genomes Project 0.00020; ExAC 0.00020; 1000 Genomes Project 30x 0.00031.
gnomAD v4.1: 412 of 1,613,000 alleles (0.026%); highest among the groups gnomAD compares: East Asian, 0.069%; no homozygotes.

Submissions (9):

Labcorp Genetics (formerly Invitae), Labcorp
Classification: Likely benign. Last evaluated: 2026-01-14. Review status: criteria provided, single submitter. Criteria: Invitae Variant Classification Sherloc (09022015). Collection method: clinical testing. Allele origin: germline.

Women's Health and Genetics/Laboratory Corporation of America, LabCorp
Classification: Uncertain significance. Last evaluated: 2025-11-28. Review status: criteria provided, single submitter. Criteria: LabCorp Variant Classification Summary - May 2015. Collection method: clinical testing. Allele origin: germline.
Comment: Variant summary: ADGRV1 c.12704A>G (p.Tyr4235Cys) results in a non-conservative amino acid change in the encoded protein sequence. Algorithms developed to predict the effect of missense changes on protein structure and function are either unavailable or do not agree on the potential impact of this missense change. The variant allele was found at a frequency of 0.00016 in 247774 control chromosomes. This frequency is not significantly higher than estimated for disease-causing variants in ADGRV1, allowing no conclusion about variant significance. c.12704A>G has been observed in individual(s) affected with early onset hearing loss and/or Usher syndrome (Miyagawa_2013, Wawrocka_2018). This report does not provide unequivocal conclusions about association of the variant with Usher Syndrome. To our knowledge, no experimental evidence demonstrating an impact on protein function has been reported. The following publications have been ascertained in the context of this evaluation (PMID: 29924869, 23967202). ClinVar contains an entry for this variant (Variation ID: 505865). Based on the evidence outlined above, the variant was classified as uncertain significance.

GeneDx
Classification: Uncertain significance. Last evaluated: 2022-07-05. Review status: criteria provided, single submitter. Criteria: GeneDx Variant Classification Process June 2021. Collection method: clinical testing. Allele origin: germline. Affected: yes.
Comment: Reported in a cohort of patients with hearing loss in published literature (Miyagawa et al., 2013); clinical and molecular information are limited; In silico analysis supports that this missense variant has a deleterious effect on protein structure/function; This variant is associated with the following publications: (PMID: 34426522, 23967202)

Institute of Human Genetics, Univ. Regensburg, Univ. Regensburg
Classification: Uncertain significance for Retinal dystrophy. Last evaluated: 2022-01-01. Review status: criteria provided, single submitter. Criteria: ACMG Guidelines, 2015. Collection method: clinical testing. Allele origin: germline. Affected: yes.

Fulgent Genetics
Classification: Uncertain significance for Febrile seizures, familial, 4; Usher syndrome type 2C. Last evaluated: 2018-10-31. Review status: criteria provided, single submitter. Criteria: ACMG Guidelines, 2015. Collection method: clinical testing. Allele origin: unknown.

Illumina Laboratory Services, Illumina
Classification: Uncertain significance for Usher syndrome type 2C. Last evaluated: 2017-08-10. Review status: criteria provided, single submitter. Criteria: ICSL Variant Classification Criteria 13 December 2019. Collection method: clinical testing. Allele origin: germline.
Comment: This variant was observed as part of a predisposition screen in an ostensibly healthy population. A literature search was performed for the gene, cDNA change, and amino acid change (where applicable). Publications were found based on this search. However, the evidence from the literature, in combination with allele frequency data from public databases where available, was not sufficient to rule this variant in or out of causing disease. Therefore, this variant is classified as a variant of unknown significance.

Laboratory for Molecular Medicine, Mass General Brigham Personalized Medicine
Classification: Uncertain significance. Last evaluated: 2017-06-13. Review status: criteria provided, single submitter. Criteria: LMM Criteria. Collection method: clinical testing. Allele origin: germline. Observed: 1 variant allele.
Comment: The p.Tyr4235Cys variant in GRP98 has been reported in individuals with hearing loss (Miyagawa 2013) and has been identified in 0.03% (35/125796) of European ch romosomes by the Genome Aggregation Database (gnomAD; dbSNP rs200644004). Although this variant has been seen in the general population, its frequency is not high enough to rule out a pathogenic role. Comp utational prediction tools and conservation analyses suggest that this variant m ay impact the protein, though this information is not predictive enough to deter mine pathogenicity. In summary, the clinical significance of the p.Tyr4235Cys va riant is uncertain.

Clinical Genetics DNA and cytogenetics Diagnostics Lab, Erasmus MC, Erasmus Medical Center
Classification: Uncertain significance. Review status: no assertion criteria provided. Collection method: clinical testing. Allele origin: germline. Affected: yes. Study: VKGL Data-share Consensus. Not counted in ClinVar's aggregate classification.

Clinical Genetics, Academic Medical Center
Classification: Uncertain significance. Review status: no assertion criteria provided. Collection method: clinical testing. Allele origin: germline. Affected: yes. Study: VKGL Data-share Consensus. Not counted in ClinVar's aggregate classification.

Literature cited by the submitters: PubMed 23967202 (cited by 4 submitters); PubMed 29924869 (cited by Women's Health and Genetics/Laboratory Corporation of America, LabCorp); PubMed 3442652 (cited by Institute of Human Genetics, Univ. Regensburg, Univ. Regensburg).

NM_032119.4(ADGRV1):c.12704A>G (p.Tyr4235Cys)

Gene: ADGRV1 (adhesion G protein-coupled receptor V1; plus strand). Cytogenetic location: 5q14.3.
Variant type: single nucleotide variant.
Coding change: c.12704A>G on transcript NM_032119.4 (MANE Select); coding-DNA position 12704, A replaced by G.
Protein change: p.Tyr4235Cys; replaces tyrosine 4235 with cysteine.
Molecular consequence: missense variant. On other transcripts: non-coding transcript variant (1).
Genome position (GRCh38, 1-based): chr5:90,778,464, A>G. VCF-style: chr5-90778464-A-G. GRCh37 (hg19) VCF-style: chr5-90074281-A-G.
Other names: short protein forms Y4235C.
Identifiers: ClinVar variation 505865 (VCV000505865.20), dbSNP rs200644004, ClinGen allele CA3341323.